The following is an entry in ClinVar:

ClinVar aggregate classification (germline): Pathogenic (1 of 4 stars; one submission).

Conditions:
Maturity-onset diabetes of the young (MODY). Also called: Maturity onset diabetes mellitus in young. Identifiers: Orphanet 552, MedGen C0342276, MONDO:0018911, HP:0004904.

Submission:

Ambry Genetics
Classification: Pathogenic for Maturity-onset diabetes of the young. Last evaluated: 2021-02-04. Review status: criteria provided, single submitter. Criteria: Ambry Variant Classification Scheme 2023. Collection method: clinical testing. Allele origin: germline.
Comment: The c.478delG pathogenic mutation, located in coding exon 2 of the HNF1A gene, results from a deletion of one nucleotide at nucleotide position 478, causing a translational frameshift with a predicted alternate stop codon (p.A160Pfs*26). This alteration is expected to result in loss of function by premature protein truncation or nonsense-mediated mRNA decay. As such, this alteration is interpreted as a disease-causing mutation.

NM_000545.8(HNF1A):c.478del (p.Ala160fs)

Gene: HNF1A (HNF1 homeobox A; plus strand). Cytogenetic location: 12q24.31.
Variant type: Deletion.
Coding change: c.478del on transcript NM_000545.8 (MANE Select); coding-DNA position 478, one base deleted (G; older notation c.478delG).
Protein change: p.Ala160fs; shifts the reading frame from alanine 160.
Molecular consequence: frameshift variant.
Genome position (GRCh38, 1-based): chr12:120,988,984, G deleted; the last of 3 consecutive G bases (chr12:120,988,982-120,988,984); deleting any one gives the same sequence. VCF-style (leftmost placement, unchanged base first): chr12-120988981-CG-C. GRCh37 (hg19) VCF-style: chr12-121426784-CG-C.
Other names: c.478del, p.Ala160fs (NM_001306179.2); c.478delG, p.Ala160Profs (NM_001406915.1); short protein forms A160fs.
Identifiers: ClinVar variation 1743095 (VCV001743095.2), dbSNP rs2499987848, ClinGen allele CA2580085926.